The following is an entry in ClinVar:

ClinVar aggregate classification (germline): Conflicting classifications of pathogenicity. Review status: criteria provided, conflicting classifications (1 of 4 stars). 4 submissions from 4 submitters: Uncertain significance (2); Likely benign (2). Last evaluated 2026-01-04.

Conditions:
FGFR3-related disorder. Also called: FGFR3-related disorders.
Inborn genetic diseases. Identifiers: MedGen C0950123, MeSH D030342.

Allele frequency attached by ClinVar (database versions not stated): gnomAD exomes 0.00012; ExAC 0.00016; gnomAD 0.00021; TOPMed 0.00026; 1000 Genomes Project 30x 0.00031; ESP Exome Variant Server 0.00038; 1000 Genomes Project 0.00040.
gnomAD v4.1: 127 of 1,606,538 alleles (0.0079%); highest among the groups gnomAD compares: South Asian, 0.069%; 1 homozygote.

Submissions (4):

Labcorp Genetics (formerly Invitae), Labcorp
Classification: Likely benign. Last evaluated: 2026-01-04. Review status: criteria provided, single submitter. Criteria: Invitae Variant Classification Sherloc (09022015). Collection method: clinical testing. Allele origin: germline.

PreventionGenetics, part of Exact Sciences
Classification: Uncertain significance for FGFR3-related condition. Last evaluated: 2025-10-18. Review status: criteria provided, single submitter. Criteria: ACMG Guidelines, 2015. Collection method: clinical testing. Allele origin: germline.
Comment: The FGFR3 c.725C>T variant is predicted to result in the amino acid substitution p.Thr242Met. To our knowledge, this variant has not been reported in the literature. This variant is reported in 0.061% of alleles in individuals of South Asian descent in gnomAD. Although we suspect that this variant may be benign, at this time, the clinical significance of this variant is uncertain due to the absence of conclusive functional and genetic evidence.

Ambry Genetics
Classification: Uncertain significance for Inborn genetic diseases. Last evaluated: 2022-01-16. Review status: criteria provided, single submitter. Criteria: Ambry Variant Classification Scheme 2023. Collection method: clinical testing. Allele origin: germline.
Comment: The c.725C>T (p.T242M) alteration is located in exon 6 (coding exon 5) of the FGFR3 gene. This alteration results from a C to T substitution at nucleotide position 725, causing the threonine (T) at amino acid position 242 to be replaced by a methionine (M). This alteration is predicted to be tolerated by in silico analysis. Based on insufficient or conflicting evidence, the clinical significance of this alteration remains unclear.

GeneDx
Classification: Likely benign. Last evaluated: 2020-12-16. Review status: criteria provided, single submitter. Criteria: GeneDx Variant Classification Process June 2021. Collection method: clinical testing. Allele origin: germline. Affected: yes.

NM_000142.5(FGFR3):c.725C>T (p.Thr242Met)

Gene: FGFR3 (fibroblast growth factor receptor 3; plus strand). Cytogenetic location: 4p16.3.
Variant type: single nucleotide variant.
Coding change: c.725C>T on transcript NM_000142.5 (MANE Select); coding-DNA position 725, C replaced by T.
Protein change: p.Thr242Met; replaces threonine 242 with methionine.
Molecular consequence: missense variant. On other transcripts: non-coding transcript variant (1).
Genome position (GRCh38, 1-based): chr4:1,801,729, C>T. VCF-style: chr4-1801729-C-T. GRCh37 (hg19) VCF-style: chr4-1803456-C-T.
Other names: c.725C>T, p.Thr242Met (NM_001163213.2, NM_001354809.2, NM_001354810.2 and 1 more transcripts); short protein forms T242M.
Identifiers: ClinVar variation 1187739 (VCV001187739.12), dbSNP rs150916178, ClinGen allele CA2809931.